The following is an entry in ClinVar:

ClinVar aggregate classification (germline): Likely benign. Review status: criteria provided, multiple submitters, no conflicts (2 of 4 stars). 3 submissions from 3 submitters: Likely benign (3). Last evaluated 2025-11-22.

Conditions:
Inborn genetic diseases. Identifiers: MedGen C0950123, MeSH D030342.
Very long chain acyl-CoA dehydrogenase deficiency (ACADVLD). Also called: Very Long-Chain Acyl-Coenzyme A Dehydrogenase Deficiency; VLCAD Deficiency. Identifiers: Orphanet 26793, MedGen C3887523, MONDO:0008723, OMIM 201475.

gnomAD v4.1: 8 of 1,614,016 alleles (0.0005%); highest among the groups gnomAD compares: Admixed American, 0.0033%; no homozygotes.

Submissions (3):

Labcorp Genetics (formerly Invitae), Labcorp
Classification: Likely benign for Very long chain acyl-CoA dehydrogenase deficiency. Last evaluated: 2025-11-22. Review status: criteria provided, single submitter. Criteria: Invitae Variant Classification Sherloc (09022015). Collection method: clinical testing. Allele origin: germline.

Ambry Genetics
Classification: Likely benign for Inborn genetic diseases. Last evaluated: 2025-06-09. Review status: criteria provided, single submitter. Criteria: Ambry Variant Classification Scheme 2023. Collection method: clinical testing. Allele origin: germline.

GeneDx
Classification: Likely benign. Last evaluated: 2018-04-09. Review status: criteria provided, single submitter. Criteria: GeneDx Variant Classification (06012015). Collection method: clinical testing. Allele origin: germline. Affected: yes.
Comment: This variant is considered likely benign or benign based on one or more of the following criteria: it is a conservative change, it occurs at a poorly conserved position in the protein, it is predicted to be benign by multiple in silico algorithms, and/or has population frequency not consistent with disease.

NM_000018.4(ACADVL):c.855G>A (p.Glu285=)

Gene: ACADVL (acyl-CoA dehydrogenase very long chain; plus strand). Cytogenetic location: 17p13.1.
Variant type: single nucleotide variant.
Coding change: c.855G>A on transcript NM_000018.4 (MANE Select); coding-DNA position 855, G replaced by A.
Protein change: p.Glu285=; no amino-acid change (glutamic acid 285 retained).
Molecular consequence: synonymous variant.
Genome position (GRCh38, 1-based): chr17:7,222,279, G>A. VCF-style: chr17-7222279-G-A. GRCh37 (hg19) VCF-style: chr17-7125598-G-A.
Other names: c.789G>A, p.Glu263= (NM_001033859.3); c.924G>A, p.Glu308= (NM_001270447.2); c.627G>A, p.Glu209= (NM_001270448.2).
Identifiers: ClinVar variation 681960 (VCV000681960.10), dbSNP rs201509063, ClinGen allele CA497619997.